The following is an entry in ClinVar:

NM_006267.5(RANBP2):c.2507C>T (p.Ala836Val)

Gene: RANBP2 (RAN binding protein 2; plus strand). Cytogenetic location: 2q13.
Variant type: single nucleotide variant.
Coding change: c.2507C>T on transcript NM_006267.5 (MANE Select); coding-DNA position 2507, C replaced by T.
Protein change: p.Ala836Val; replaces alanine 836 with valine.
Molecular consequence: missense variant.
Genome position (GRCh38, 1-based): chr2:108,758,453, C>T. VCF-style: chr2-108758453-C-T. GRCh37 (hg19) VCF-style: chr2-109374909-C-T.
Other names: short protein forms A836V.
Identifiers: ClinVar variation 1011445 (VCV001011445.7), dbSNP rs762106093, ClinGen allele CA348056798.

ClinVar aggregate classification (germline): Uncertain significance. Review status: criteria provided, multiple submitters, no conflicts (2 of 4 stars). 3 submissions from 3 submitters: Uncertain significance (3). Last evaluated 2023-11-17.

Conditions:
Familial acute necrotizing encephalopathy (IIAE3). Also called: ENCEPHALOPATHY, ACUTE, INFECTION-INDUCED, SUSCEPTIBILITY TO, 3; Susceptibility to Acute Necrotizing Encephalopathy 1. Identifiers: Orphanet 88619, MedGen C2675556, MONDO:0011953, OMIM 608033.

Allele frequency attached by ClinVar (database versions not stated): gnomAD 0.00001; TOPMed 0.00009.
gnomAD v4.1: 3 of 1,611,606 alleles (0.00019%); highest among the groups gnomAD compares: Admixed American, 0.005%; no homozygotes.

Submissions (3):

Ambry Genetics
Classification: Uncertain significance. Last evaluated: 2023-11-17. Review status: criteria provided, single submitter. Criteria: Ambry Variant Classification Scheme 2023. Collection method: clinical testing. Allele origin: germline.

Labcorp Genetics (formerly Invitae), Labcorp
Classification: Uncertain significance for Familial acute necrotizing encephalopathy. Last evaluated: 2021-08-28. Review status: criteria provided, single submitter. Criteria: Invitae Variant Classification Sherloc (09022015). Collection method: clinical testing. Allele origin: germline.

GeneDx
Classification: Uncertain significance. Last evaluated: 2019-07-16. Review status: criteria provided, single submitter. Criteria: GeneDx Variant Classification Process June 2021. Collection method: clinical testing. Allele origin: germline. Affected: yes.
Comment: Has not been previously published as pathogenic or benign to our knowledge; Not observed in large population cohorts (Lek et al., 2016); In silico analysis, which includes protein predictors and evolutionary conservation, supports that this variant does not alter protein structure/function